The following is an entry in ClinVar:

ClinVar aggregate classification (germline): Uncertain significance (0 of 4 stars; one submission).

Conditions:
PLXNA4-related disorder. Also called: PLXNA4-related condition.

gnomAD v4.1: 12 of 1,614,072 alleles (0.00074%); highest among the groups gnomAD compares: African/African-American, 0.0027%; no homozygotes.

Submission:

PreventionGenetics, part of Exact Sciences
Classification: Uncertain significance for PLXNA4-related condition. Last evaluated: 2024-06-13. Review status: no assertion criteria provided. Collection method: clinical testing. Allele origin: germline.
Comment: The PLXNA4 c.3968G>A variant is predicted to result in the amino acid substitution p.Arg1323Gln. To our knowledge, this variant has not been reported in the literature. This variant is reported in 0.00088% of alleles in individuals of European (Non-Finnish) descent in gnomAD. At this time, the clinical significance of this variant is uncertain due to the absence of conclusive functional and genetic evidence.

NM_020911.2(PLXNA4):c.3968G>A (p.Arg1323Gln)

Gene: PLXNA4 (plexin A4; minus strand). Cytogenetic location: 7q32.3.
Variant type: single nucleotide variant.
Coding change: c.3968G>A on transcript NM_020911.2 (MANE Select); coding-DNA position 3968, G replaced by A.
Protein change: p.Arg1323Gln; replaces arginine 1323 with glutamine.
Molecular consequence: missense variant.
Genome position (GRCh38, 1-based): chr7:132,174,827, C>T on the plus strand (G>A on the coding strand, the complement: PLXNA4 is on the minus strand). VCF-style: chr7-132174827-C-T. GRCh37 (hg19) VCF-style: chr7-131859586-C-T.
Other names: c.3968G>A, p.Arg1323Gln (NM_001393897.1); short protein forms R1323Q.
Identifiers: ClinVar variation 3358233 (VCV003358233.1).
Genomic context (GRCh38, chr7:132,174,827, plus strand): 5'-CTGCTTCTCACCTCAAGGTCCCGGAGGACAGGGTGGTCTTCAATTCCTGGGAACAGCACC[C>T]GCATGGTGTAAGTTCTATAGTCCAGGAACGGAATCCCGGCTCCATCCAGGTCACTGGTCA-3'
Protein context (NP_065962.1, residues 1313-1333): PFLDYRTYTM[Arg1323Gln]VLFPGIEDHP